The following is an entry in ClinVar:

NM_001735.3(C5):c.258A>G (p.Thr86=)

Gene: C5 (complement C5; minus strand). Cytogenetic location: 9q33.2.
Variant type: single nucleotide variant.
Coding change: c.258A>G on transcript NM_001735.3 (MANE Select); coding-DNA position 258, A replaced by G.
Protein change: p.Thr86=; no amino-acid change (threonine 86 retained).
Molecular consequence: synonymous variant.
Genome position (GRCh38, 1-based): chr9:121,046,191, T>C on the plus strand (A>G on the coding strand, the complement: C5 is on the minus strand). VCF-style: chr9-121046191-T-C. GRCh37 (hg19) VCF-style: chr9-123808469-T-C.
Other names: c.276A>G, p.Thr92= (NM_001317163.2); c.258A>G, p.Thr86= (NM_001317164.2).
Identifiers: ClinVar variation 4701132 (VCV004701132.2).

ClinVar aggregate classification (germline): Conflicting classifications of pathogenicity. Review status: criteria provided, conflicting classifications (1 of 4 stars). 2 submissions from 2 submitters: Uncertain significance (1); Likely benign (1). Last evaluated 2026-01-14.

Submissions (2):

Labcorp Genetics (formerly Invitae), Labcorp
Classification: Uncertain significance. Last evaluated: 2026-01-14. Review status: criteria provided, single submitter. Criteria: Invitae Variant Classification Sherloc (09022015). Collection method: clinical testing. Allele origin: germline.
Comment: This sequence change affects codon 86 of the C5 mRNA. It is a 'silent' change, meaning that it does not change the encoded amino acid sequence of the C5 protein. It affects a nucleotide within the consensus splice site. This variant is present in population databases (rs149884596, gnomAD 0.02%). This variant has not been reported in the literature in individuals affected with C5-related conditions. Algorithms developed to predict the effect of sequence changes on RNA splicing suggest that this variant is not likely to affect RNA splicing. In summary, the available evidence is currently insufficient to determine the role of this variant in disease. Therefore, it has been classified as a Variant of Uncertain Significance.

Blueprint Genetics
Classification: Likely benign. Last evaluated: 2024-10-11. Review status: criteria provided, single submitter. Criteria: ACMG Guidelines, 2015. Collection method: clinical testing. Allele origin: germline.